The following is an entry in ClinVar:

ClinVar aggregate classification (germline): Uncertain significance (1 of 4 stars; one submission).

Allele frequency attached by ClinVar (database versions not stated): gnomAD exomes below 0.00001; TOPMed below 0.00001; ExAC 0.00001; gnomAD 0.00001.
gnomAD v4.1: 4 of 1,614,106 alleles (0.00025%); highest among the groups gnomAD compares: Non-Finnish European, 0.00034%; no homozygotes.

Submission:

Labcorp Genetics (formerly Invitae), Labcorp
Classification: Uncertain significance. Last evaluated: 2022-10-27. Review status: criteria provided, single submitter. Criteria: Invitae Variant Classification Sherloc (09022015). Collection method: clinical testing. Allele origin: germline.
Comment: In summary, the available evidence is currently insufficient to determine the role of this variant in disease. Therefore, it has been classified as a Variant of Uncertain Significance. This variant disrupts the p.Pro574 amino acid residue in CDHR1. Other variant(s) that disrupt this residue have been determined to be pathogenic (PMID: 26350383; Invitae). This suggests that this residue is clinically significant, and that variants that disrupt this residue are likely to be disease-causing. Advanced modeling of protein sequence and biophysical properties (such as structural, functional, and spatial information, amino acid conservation, physicochemical variation, residue mobility, and thermodynamic stability) performed at Invitae indicates that this missense variant is expected to disrupt CDHR1 protein function. This variant has not been reported in the literature in individuals affected with CDHR1-related conditions. This variant is present in population databases (rs768778466, gnomAD 0.0009%). This sequence change replaces proline, which is neutral and non-polar, with leucine, which is neutral and non-polar, at codon 574 of the CDHR1 protein (p.Pro574Leu).

Literature cited by the submitters: PubMed 26350383.

NM_033100.4(CDHR1):c.1721C>T (p.Pro574Leu)

Gene: CDHR1 (cadherin related family member 1; plus strand). Cytogenetic location: 10q23.1.
Variant type: single nucleotide variant.
Coding change: c.1721C>T on transcript NM_033100.4 (MANE Select); coding-DNA position 1721, C replaced by T.
Protein change: p.Pro574Leu; replaces proline 574 with leucine.
Molecular consequence: missense variant.
Genome position (GRCh38, 1-based): chr10:84,212,346, C>T. VCF-style: chr10-84212346-C-T. GRCh37 (hg19) VCF-style: chr10-85972102-C-T.
Other names: c.1721C>T, p.Pro574Leu (NM_001171971.3); short protein forms P574L.
Identifiers: ClinVar variation 2810090 (VCV002810090.2), dbSNP rs768778466, ClinGen allele CA5580024.
Genomic context (GRCh38, chr10:84,212,346, plus strand): 5'-AAGGCAAGTACAGCGTAGCTGAGGTGTTTATCACACTGCTGGATGTCAATGACCACCCCC[C>T]TCAGTTTGGAAAGAGCGTTCAGAAGAAGACGATGGTGCTAGGGACCCCAGTGAAAATTGA-3'
Protein context (NP_149091.1, residues 564-584): ITLLDVNDHP[Pro574Leu]QFGKSVQKKT